The following is an entry in ClinVar:

ClinVar aggregate classification (germline): Uncertain significance (1 of 4 stars; one submission).

Conditions:
Primary dilated cardiomyopathy (DCM). Also called: Dilated Cardiomyopathy. Identifiers: Orphanet 217604, MedGen C0007193, MeSH D002311, MONDO:0005021, HP:0001644. Inheritance: Various modes of inheritance.

Submission:

Labcorp Genetics (formerly Invitae), Labcorp
Classification: Uncertain significance for Primary dilated cardiomyopathy. Last evaluated: 2023-07-28. Review status: criteria provided, single submitter. Criteria: Invitae Variant Classification Sherloc (09022015). Collection method: clinical testing. Allele origin: unknown.
Comment: In summary, the available evidence is currently insufficient to determine the role of this variant in disease. Therefore, it has been classified as a Variant of Uncertain Significance. Experimental studies and prediction algorithms are not available or were not evaluated, and the functional significance of this variant is currently unknown. This variant has not been reported in the literature in individuals affected with NEBL-related conditions. This variant is a gross deletion of the genomic region encompassing exon(s) 25 of the NEBL gene. This variant would be expected to be in-frame, preserving the integrity of the reading frame.

NC_000010.10:g.(?_21098715)_(21098847_?)del

Gene: NEBL (nebulette; minus strand). Cytogenetic location: 10p12.31.
Variant type: Deletion.
Identifiers: ClinVar variation 3244803 (VCV003244803.1).